The following is an entry in ClinVar:

ClinVar aggregate classification (germline): Uncertain significance (1 of 4 stars; one submission).

Submission:

Labcorp Genetics (formerly Invitae), Labcorp
Classification: Uncertain significance. Last evaluated: 2022-06-07. Review status: criteria provided, single submitter. Criteria: Invitae Variant Classification Sherloc (09022015). Collection method: clinical testing. Allele origin: germline.
Comment: This sequence change replaces glycine, which is neutral and non-polar, with arginine, which is basic and polar, at codon 23 of the ISCA2 protein (p.Gly23Arg). This variant is not present in population databases (gnomAD no frequency). This variant has not been reported in the literature in individuals affected with ISCA2-related conditions. Algorithms developed to predict the effect of missense changes on protein structure and function (SIFT, PolyPhen-2, Align-GVGD) all suggest that this variant is likely to be tolerated. In summary, the available evidence is currently insufficient to determine the role of this variant in disease. Therefore, it has been classified as a Variant of Uncertain Significance.

NM_194279.4(ISCA2):c.67G>C (p.Gly23Arg)

Genes: ISCA2 (iron-sulfur cluster assembly 2; plus strand), LOC130056095 (ATAC-STARR-seq lymphoblastoid active region 8728; plus strand). Cytogenetic location: 14q24.3.
Variant type: single nucleotide variant.
Coding change: c.67G>C on transcript NM_194279.4 (MANE Select); coding-DNA position 67, G replaced by C.
Protein change: p.Gly23Arg; replaces glycine 23 with arginine.
Molecular consequence: missense variant.
Genome position (GRCh38, 1-based): chr14:74,493,841, G>C. VCF-style: chr14-74493841-G-C. GRCh37 (hg19) VCF-style: chr14-74960544-G-C.
Other names: c.67G>C, p.Gly23Arg (NM_001272007.2); short protein forms G23R.
Identifiers: ClinVar variation 2002658 (VCV002002658.4), dbSNP rs2506118027, ClinGen allele CA390377540.